The following is an entry in ClinVar:

ClinVar aggregate classification (germline): Likely benign. Review status: criteria provided, multiple submitters, no conflicts (2 of 4 stars). 3 submissions from 3 submitters: Likely benign (3). Last evaluated 2024-04-07.

Allele frequency attached by ClinVar (database versions not stated): ExAC 0.00001; gnomAD exomes 0.00001; TOPMed 0.00002.
gnomAD v4.1: 8 of 1,613,972 alleles (0.0005%); highest among the groups gnomAD compares: Admixed American, 0.0017%; no homozygotes.

Submissions (3):

Labcorp Genetics (formerly Invitae), Labcorp
Classification: Likely benign. Last evaluated: 2024-04-07. Review status: criteria provided, single submitter. Criteria: Invitae Variant Classification Sherloc (09022015). Collection method: clinical testing. Allele origin: germline.

CeGaT Center for Human Genetics Tuebingen
Classification: Likely benign. Last evaluated: 2023-10-01. Review status: criteria provided, single submitter. Criteria: CeGaT Center For Human Genetics Tuebingen Variant Classification Criteria Version 2. Collection method: clinical testing. Allele origin: germline. Affected: yes. Observed: 1 variant allele.
Comment: OSBPL2: BP4, BP7

GeneDx
Classification: Likely benign. Last evaluated: 2018-04-26. Review status: criteria provided, single submitter. Criteria: GeneDx Variant Classification (06012015). Collection method: clinical testing. Allele origin: germline. Affected: yes.
Comment: This variant is considered likely benign or benign based on one or more of the following criteria: it is a conservative change, it occurs at a poorly conserved position in the protein, it is predicted to be benign by multiple in silico algorithms, and/or has population frequency not consistent with disease.

NM_144498.4(OSBPL2):c.916T>C (p.Leu306=)

Gene: OSBPL2 (oxysterol binding protein like 2; plus strand). Cytogenetic location: 20q13.33.
Variant type: single nucleotide variant.
Coding change: c.916T>C on transcript NM_144498.4 (MANE Select); coding-DNA position 916, T replaced by C.
Protein change: p.Leu306=; no amino-acid change (leucine 306 retained).
Molecular consequence: synonymous variant.
Genome position (GRCh38, 1-based): chr20:62,284,089, T>C. VCF-style: chr20-62284089-T-C. GRCh37 (hg19) VCF-style: chr20-60859145-T-C.
Other names: c.640T>C, p.Leu214= (NM_001278649.3, NM_001363878.2); c.880T>C, p.Leu294= (NM_014835.5).
Identifiers: ClinVar variation 682171 (VCV000682171.29), dbSNP rs200426826, ClinGen allele CA9938612.